The following is an entry in ClinVar:

ClinVar aggregate classification (germline): Likely benign (1 of 4 stars; one submission).

Allele frequency attached by ClinVar (database versions not stated): TOPMed 0.00012 and 0.00009.

Submission:

GeneDx
Classification: Likely benign. Last evaluated: 2018-03-30. Review status: criteria provided, single submitter. Criteria: GeneDx Variant Classification (06012015). Collection method: clinical testing. Allele origin: germline. Affected: yes.
Comment: This variant is considered likely benign or benign based on one or more of the following criteria: it is a conservative change, it occurs at a poorly conserved position in the protein, it is predicted to be benign by multiple in silico algorithms, and/or has population frequency not consistent with disease.

NM_025233.7(COASY):c.-395G>C

Genes: COASY (Coenzyme A synthase; plus strand), LOC130060907 (ATAC-STARR-seq lymphoblastoid active region 12206; plus strand). Cytogenetic location: 17q21.2.
Variant type: single nucleotide variant.
Coding change: c.-395G>C on transcript NM_025233.7 (MANE Select); 395 bases upstream of the start codon, G replaced by C.
Molecular consequence: 5 prime UTR variant. On other transcripts: intron variant (2).
Genome position (GRCh38, 1-based): chr17:42,562,228, G>C. VCF-style: chr17-42562228-G-C. GRCh37 (hg19) VCF-style: chr17-40714246-G-C.
Other names: c.-57+9G>C (NM_001042532.4); c.-12+9G>C (NM_001042529.3).
Identifiers: ClinVar variation 680932 (VCV000680932.1), dbSNP rs537541340, ClinGen allele CA290796421.